The following is an entry in ClinVar:

NM_001378452.1(ITPR1):c.5560C>T (p.Arg1854Cys)

Gene: ITPR1 (inositol 1,4,5-trisphosphate receptor type 1; plus strand). Cytogenetic location: 3p26.1.
Variant type: single nucleotide variant.
Coding change: c.5560C>T on transcript NM_001378452.1 (MANE Select); coding-DNA position 5560, C replaced by T.
Protein change: p.Arg1854Cys; replaces arginine 1854 with cysteine.
Molecular consequence: missense variant.
Genome position (GRCh38, 1-based): chr3:4,766,545, C>T. VCF-style: chr3-4766545-C-T. GRCh37 (hg19) VCF-style: chr3-4808229-C-T.
Other names: c.5416C>T, p.Arg1806Cys (NM_001099952.4); c.5515C>T, p.Arg1839Cys (NM_001168272.2); c.5371C>T, p.Arg1791Cys (NM_002222.7); short protein forms R1791C, R1806C, R1839C, R1854C.
Identifiers: ClinVar variation 2500653 (VCV002500653.2), dbSNP rs887912520, ClinGen allele CA68816332.

ClinVar aggregate classification (germline): Uncertain significance. Review status: criteria provided, multiple submitters, no conflicts (2 of 4 stars). 2 submissions from 2 submitters: Uncertain significance (2). Last evaluated 2023-11-14.

Conditions:
Inborn genetic diseases. Identifiers: MedGen C0950123, MeSH D030342.

Allele frequency attached by ClinVar (database versions not stated): gnomAD 0.00004; TOPMed 0.00004.
gnomAD v4.1: 14 of 1,613,186 alleles (0.00087%); highest among the groups gnomAD compares: African/African-American, 0.0094%; no homozygotes.

Submissions (2):

Ambry Genetics
Classification: Uncertain significance for Inborn genetic diseases. Last evaluated: 2023-11-14. Review status: criteria provided, single submitter. Criteria: Ambry Variant Classification Scheme 2023. Collection method: clinical testing. Allele origin: germline.

GeneDx
Classification: Uncertain significance. Last evaluated: 2022-10-26. Review status: criteria provided, single submitter. Criteria: GeneDx Variant Classification Process June 2021. Collection method: clinical testing. Allele origin: germline. Affected: yes.
Comment: In silico analysis supports that this missense variant has a deleterious effect on protein structure/function; Has not been previously published as pathogenic or benign to our knowledge; In silico analysis suggests this variant may impact gene splicing. In the absence of RNA/functional studies, the actual effect of this sequence change is unknown.